The following is an entry in ClinVar:

NM_000377.3(WAS):c.173C>A (p.Pro58His)

Gene: WAS (WASP actin nucleation promoting factor; plus strand). Cytogenetic location: Xp11.23.
Variant type: single nucleotide variant.
Coding change: c.173C>A on transcript NM_000377.3 (MANE Select); coding-DNA position 173, C replaced by A.
Protein change: p.Pro58His; replaces proline 58 with histidine.
Molecular consequence: missense variant.
Genome position (GRCh38, 1-based): chrX:48,684,323, C>A. VCF-style: chrX-48684323-C-A. GRCh37 (hg19) VCF-style: chrX-48542712-C-A.
Other names: short protein forms P58H.
Identifiers: ClinVar variation 420291 (VCV000420291.2), dbSNP rs132630275, ClinGen allele CA16621416.

ClinVar aggregate classification (germline): Likely pathogenic (1 of 4 stars; one submission).

Submission:

GeneDx
Classification: Likely pathogenic. Last evaluated: 2017-02-14. Review status: criteria provided, single submitter. Criteria: GeneDx Variant Classification (06012015). Collection method: clinical testing. Allele origin: germline. Affected: yes.
Comment: To our knowledge, the P58H variant has not been published as a pathogenic variant, nor has it been reported as a benign variant. The variant is not observed in large population cohorts (Lek et al., 2016; 1000 Genomes Consortium et al., 2015; Exome Variant Server). The P58H variant is a non-conservative amino acid substitution, which is likely to impact secondary protein structure as these residues differ in polarity, charge, size and/or other properties. This substitution occurs at a position within the WH1 domain that is conserved in mammals; the WH1 domain has been shown to be critical for cellular processes utilizing actin (Veltman et al., 2010). In silico analysis predicts this variant is probably damaging to the protein structure/function. Missense variants at the same codon (P58A/R/L) and in nearby residues (A56T/V) have been reported in the Human Gene Mutation Database in association with WAS-related disorders (Stenson et al., 2014), supporting the functional importance of this region of the protein. In summary, this variant is likely pathogenic; however, the possibility that it is benign cannot be excluded.